The following is an entry in ClinVar:

ClinVar aggregate classification (germline): Benign. Review status: criteria provided, multiple submitters, no conflicts (2 of 4 stars). 3 submissions from 3 submitters: Benign (2). 1 of the submissions does not count toward it. Last evaluated 2025-08-11.

Conditions:
KDM5C-related disorder. Also called: KDM5C-related condition.
Spastic paraplegia. Identifiers: MedGen C0037772, HP:0001258.

Allele frequency attached by ClinVar (database versions not stated): gnomAD exomes 0.00010 and 0.00003; 1000 Genomes Project 0.00026; ESP Exome Variant Server 0.00047; ExAC 0.00022; gnomAD 0.00032; 1000 Genomes Project 30x 0.00042.
gnomAD v4.1: 70 of 1,187,731 alleles (0.0059%); highest among the groups gnomAD compares: African/African-American, 0.11%; no homozygotes.

Submissions (3):

Labcorp Genetics (formerly Invitae), Labcorp
Classification: Benign for Spastic paraplegia. Last evaluated: 2025-08-11. Review status: criteria provided, single submitter. Criteria: Invitae Variant Classification Sherloc (09022015). Collection method: clinical testing. Allele origin: germline.

GeneDx
Classification: Benign. Last evaluated: 2020-10-13. Review status: criteria provided, single submitter. Criteria: GeneDx Variant Classification Process June 2021. Collection method: clinical testing. Allele origin: germline. Affected: yes.

PreventionGenetics, part of Exact Sciences
Classification: Likely benign for KDM5C-related condition. Last evaluated: 2022-07-25. Review status: no assertion criteria provided. Collection method: clinical testing. Allele origin: germline. Not counted in ClinVar's aggregate classification.
Comment: This variant is classified as likely benign based on ACMG/AMP sequence variant interpretation guidelines (Richards et al. 2015 PMID: 25741868, with internal and published modifications).

NM_004187.5(KDM5C):c.2529G>T (p.Val843=)

Gene: KDM5C (lysine demethylase 5C; minus strand). Cytogenetic location: Xp11.22.
Variant type: single nucleotide variant.
Coding change: c.2529G>T on transcript NM_004187.5 (MANE Select); coding-DNA position 2529, G replaced by T.
Protein change: p.Val843=; no amino-acid change (valine 843 retained).
Molecular consequence: synonymous variant. On other transcripts: non-coding transcript variant (3).
Genome position (GRCh38, 1-based): chrX:53,197,864, C>A on the plus strand (G>T on the coding strand, the complement: KDM5C is on the minus strand). VCF-style: chrX-53197864-C-A. GRCh37 (hg19) VCF-style: chrX-53227046-C-A.
Other names: c.2328G>T, p.Val776= (NM_001146702.2); c.2526G>T, p.Val842= (NM_001282622.3, NM_001353979.2, NM_001353982.2); c.2529G>T, p.Val843= (NM_001353978.3, NM_001353981.2, NM_001353984.2); c.2529G>T (NM_004187.3).
Identifiers: ClinVar variation 1254724 (VCV001254724.6), dbSNP rs142191000, ClinGen allele CA10419364.